The following is an entry in ClinVar:

NM_178335.3(CCDC50):c.627G>A (p.Ser209=)

Gene: CCDC50 (coiled-coil domain containing 50; plus strand). Cytogenetic location: 3q28.
Variant type: single nucleotide variant.
Coding change: c.627G>A on transcript NM_178335.3 (MANE Select); coding-DNA position 627, G replaced by A.
Protein change: p.Ser209=; no amino-acid change (serine 209 retained).
Molecular consequence: synonymous variant. On other transcripts: intron variant (1).
Genome position (GRCh38, 1-based): chr3:191,375,240, G>A. VCF-style: chr3-191375240-G-A. GRCh37 (hg19) VCF-style: chr3-191093029-G-A.
Other names: c.449-4919G>A (NM_174908.4); c.627G>A (NM_178335.2).
Identifiers: ClinVar variation 2179413 (VCV002179413.6), dbSNP rs199687225, ClinGen allele CA2755295.

ClinVar aggregate classification (germline): Likely benign. Review status: criteria provided, multiple submitters, no conflicts (2 of 4 stars). 3 submissions from 3 submitters: Likely benign (3). Last evaluated 2026-09-11.

Conditions:
CCDC50-related disorder. Also called: CCDC50-related condition.

Allele frequency attached by ClinVar (database versions not stated): ExAC 0.00002; gnomAD 0.00014; TOPMed 0.00025; 1000 Genomes Project 30x 0.00031; 1000 Genomes Project 0.00040.
gnomAD v4.1: 67 of 1,613,714 alleles (0.0042%); highest among the groups gnomAD compares: Admixed American, 0.032%; 1 homozygote.

Submissions (3):

PreventionGenetics, part of Exact Sciences
Classification: Likely benign for CCDC50-related condition. Last evaluated: 2026-09-11. Review status: criteria provided, single submitter. Criteria: ACMG Guidelines, 2015. Collection method: clinical testing. Allele origin: germline.
Comment: This variant is classified as likely benign based on ACMG/AMP sequence variant interpretation guidelines (Richards et al. 2015 PMID: 25741868, with internal and published modifications).

Blueprint Genetics
Classification: Likely benign. Last evaluated: 2024-07-17. Review status: criteria provided, single submitter. Criteria: ACMG Guidelines, 2015. Collection method: clinical testing. Allele origin: germline.

Labcorp Genetics (formerly Invitae), Labcorp
Classification: Likely benign. Last evaluated: 2024-06-10. Review status: criteria provided, single submitter. Criteria: Invitae Variant Classification Sherloc (09022015). Collection method: clinical testing. Allele origin: germline.